The following is an entry in ClinVar:

NM_001130438.3(SPTAN1):c.2302G>T (p.Ala768Ser)

Gene: SPTAN1 (spectrin alpha, non-erythrocytic 1; plus strand). Cytogenetic location: 9q34.11.
Variant type: single nucleotide variant.
Coding change: c.2302G>T on transcript NM_001130438.3 (MANE Select); coding-DNA position 2302, G replaced by T.
Protein change: p.Ala768Ser; replaces alanine 768 with serine.
Molecular consequence: missense variant.
Genome position (GRCh38, 1-based): chr9:128,584,390, G>T. VCF-style: chr9-128584390-G-T. GRCh37 (hg19) VCF-style: chr9-131346669-G-T.
Other names: c.2302G>T (NM_001130438.2); c.2302G>T, p.Ala768Ser (NM_001195532.2, NM_001363759.2, NM_001363765.2 and 5 more transcripts); c.2338G>T, p.Ala780Ser (NM_001375312.2, NM_001375318.1); short protein forms A780S, A768S.
Identifiers: ClinVar variation 2154605 (VCV002154605.7), dbSNP rs536834252, ClinGen allele CA5264612.

ClinVar aggregate classification (germline): Conflicting classifications of pathogenicity. Review status: criteria provided, conflicting classifications (1 of 4 stars). 3 submissions from 3 submitters: Uncertain significance (1); Likely benign (1). 1 of the submissions does not count toward it. Last evaluated 2022-03-23.

Conditions:
SPTAN1-related disorder. Also called: SPTAN1-related disorders; SPTAN1-related condition.
Early-infantile DEE. Also called: Early infantile epileptic encephalopathy with suppression bursts; Ohtahara syndrome; Early infantile epileptic encephalopathy. Identifiers: Orphanet 1934, MedGen C0393706, MONDO:0800491.

Allele frequency attached by ClinVar (database versions not stated): gnomAD 0.00002; TOPMed 0.00002; gnomAD exomes 0.00003; ExAC 0.00009; 1000 Genomes Project 0.00040; 1000 Genomes Project 30x 0.00062.
gnomAD v4.1: 52 of 1,614,154 alleles (0.0032%); highest among the groups gnomAD compares: South Asian, 0.055%; no homozygotes.

Submissions (3):

Labcorp Genetics (formerly Invitae), Labcorp
Classification: Uncertain significance for Early-infantile DEE. Last evaluated: 2022-03-23. Review status: criteria provided, single submitter. Criteria: Invitae Variant Classification Sherloc (09022015). Collection method: clinical testing. Allele origin: germline.
Comment: In summary, the available evidence is currently insufficient to determine the role of this variant in disease. Therefore, it has been classified as a Variant of Uncertain Significance. Algorithms developed to predict the effect of missense changes on protein structure and function are either unavailable or do not agree on the potential impact of this missense change (SIFT: "Deleterious"; PolyPhen-2: "Benign"; Align-GVGD: "Class C65"). This sequence change replaces alanine, which is neutral and non-polar, with serine, which is neutral and polar, at codon 768 of the SPTAN1 protein (p.Ala768Ser). This variant is present in population databases (rs536834252, gnomAD 0.07%), and has an allele count higher than expected for a pathogenic variant. This variant has not been reported in the literature in individuals affected with SPTAN1-related conditions.

Blueprint Genetics
Classification: Likely benign. Last evaluated: 2022-01-20. Review status: criteria provided, single submitter. Criteria: ACMG Guidelines, 2015. Collection method: clinical testing. Allele origin: germline.

PreventionGenetics, part of Exact Sciences
Classification: Likely benign for SPTAN1-related condition. Last evaluated: 2022-06-13. Review status: no assertion criteria provided. Collection method: clinical testing. Allele origin: germline. Not counted in ClinVar's aggregate classification.
Comment: This variant is classified as likely benign based on ACMG/AMP sequence variant interpretation guidelines (Richards et al. 2015 PMID: 25741868, with internal and published modifications).